The following is an entry in ClinVar:

NM_000098.3(CPT2):c.602G>A (p.Trp201Ter)

Gene: CPT2 (carnitine palmitoyltransferase 2; plus strand). Cytogenetic location: 1p32.3.
Variant type: single nucleotide variant.
Coding change: c.602G>A on transcript NM_000098.3 (MANE Select); coding-DNA position 602, G replaced by A.
Protein change: p.Trp201Ter; replaces tryptophan 201 with a stop codon.
Molecular consequence: nonsense.
Genome position (GRCh38, 1-based): chr1:53,210,276, G>A. VCF-style: chr1-53210276-G-A. GRCh37 (hg19) VCF-style: chr1-53675948-G-A.
Other names: c.602G>A, p.Trp201Ter (NM_001330589.2); short protein forms W201*.
Identifiers: ClinVar variation 2061840 (VCV002061840.4), dbSNP rs1401450508, ClinGen allele CA340392828.
Genomic context (GRCh38, chr1:53,210,276, plus strand): 5'-CAAAAAGTGACACTATCACCTTCAAGAGACTCATACGCTTTGTGCCTTCCTCTCTGTCCT[G>A]GTATGGGGCCTACCTGGTCAATGCGTATCCCCTGGATATGTCCCAGTATTTTCGGCTTTT-3'

ClinVar aggregate classification (germline): Pathogenic (1 of 4 stars; one submission).

Conditions:
Carnitine palmitoyltransferase II deficiency. Also called: Carnitine Palmitoyltransferase 2 Deficiency. Identifiers: Orphanet 157, MedGen C0342790, MONDO:0015515.

Submission:

Labcorp Genetics (formerly Invitae), Labcorp
Classification: Pathogenic for Carnitine palmitoyltransferase II deficiency. Last evaluated: 2022-04-09. Review status: criteria provided, single submitter. Criteria: Invitae Variant Classification Sherloc (09022015). Collection method: clinical testing. Allele origin: germline.
Comment: This sequence change creates a premature translational stop signal (p.Trp201*) in the CPT2 gene. It is expected to result in an absent or disrupted protein product. Loss-of-function variants in CPT2 are known to be pathogenic (PMID: 16781677, 16996287). This variant is not present in population databases (gnomAD no frequency). This variant has not been reported in the literature in individuals affected with CPT2-related conditions. For these reasons, this variant has been classified as Pathogenic.

Literature cited by the submitters: PubMed 16781677; PubMed 16996287.